The following is an entry in ClinVar:

ClinVar aggregate classification (germline): Uncertain significance (1 of 4 stars; one submission).

Submission:

GeneDx
Classification: Uncertain significance. Last evaluated: 2023-11-29. Review status: criteria provided, single submitter. Criteria: GeneDx Variant Classification Process June 2021. Collection method: clinical testing. Allele origin: germline. Affected: yes.
Comment: Not observed at significant frequency in large population cohorts (gnomAD); In silico analysis supports that this missense variant does not alter protein structure/function; Has not been previously published as pathogenic or benign to our knowledge

NM_198503.5(KCNT2):c.3125A>G (p.Asn1042Ser)

Gene: KCNT2 (potassium sodium-activated channel subfamily T member 2; minus strand). Cytogenetic location: 1q31.3.
Variant type: single nucleotide variant.
Coding change: c.3125A>G on transcript NM_198503.5 (MANE Select); coding-DNA position 3125, A replaced by G.
Protein change: p.Asn1042Ser; replaces asparagine 1042 with serine.
Molecular consequence: missense variant. On other transcripts: non-coding transcript variant (2).
Genome position (GRCh38, 1-based): chr1:196,258,280, T>C on the plus strand (A>G on the coding strand, the complement: KCNT2 is on the minus strand). VCF-style: chr1-196258280-T-C. GRCh37 (hg19) VCF-style: chr1-196227410-T-C.
Other names: c.3053A>G, p.Asn1018Ser (NM_001287819.3); c.2924A>G, p.Asn975Ser (NM_001287820.3); short protein forms N1018S, N1042S, N975S.
Identifiers: ClinVar variation 3365115 (VCV003365115.1).